The following is an entry in ClinVar:

NM_006922.4(SCN3A):c.929T>C (p.Met310Thr)

Gene: SCN3A (sodium voltage-gated channel alpha subunit 3; minus strand). Cytogenetic location: 2q24.3.
Variant type: single nucleotide variant.
Coding change: c.929T>C on transcript NM_006922.4 (MANE Select); coding-DNA position 929, T replaced by C.
Protein change: p.Met310Thr; replaces methionine 310 with threonine.
Molecular consequence: missense variant.
Genome position (GRCh38, 1-based): chr2:165,162,594, A>G on the plus strand (T>C on the coding strand, the complement: SCN3A is on the minus strand). VCF-style: chr2-165162594-A-G. GRCh37 (hg19) VCF-style: chr2-166019104-A-G.
Other names: c.929T>C, p.Met310Thr (NM_001081676.2, NM_001081677.2); short protein forms M310T.
Identifiers: ClinVar variation 1365968 (VCV001365968.8), dbSNP rs1689476441, ClinGen allele CA349238938.

ClinVar aggregate classification (germline): Uncertain significance (1 of 4 stars; one submission).

Allele frequency attached by ClinVar (database versions not stated): gnomAD exomes below 0.00001; TOPMed below 0.00001.

Submission:

Labcorp Genetics (formerly Invitae), Labcorp
Classification: Uncertain significance. Last evaluated: 2025-12-13. Review status: criteria provided, single submitter. Criteria: Invitae Variant Classification Sherloc (09022015). Collection method: clinical testing. Allele origin: germline.
Comment: This sequence change replaces methionine, which is neutral and non-polar, with threonine, which is neutral and polar, at codon 310 of the SCN3A protein (p.Met310Thr). This variant is not present in population databases (gnomAD no frequency). This variant has not been reported in the literature in individuals affected with SCN3A-related conditions. ClinVar contains an entry for this variant (Variation ID: 1365968). Invitae Evidence Modeling of protein sequence and biophysical properties (such as structural, functional, and spatial information, amino acid conservation, physicochemical variation, residue mobility, and thermodynamic stability) indicates that this missense variant is not expected to disrupt SCN3A protein function with a negative predictive value of 95%. In summary, the available evidence is currently insufficient to determine the role of this variant in disease. Therefore, it has been classified as a Variant of Uncertain Significance.